The following is an entry in ClinVar:

ClinVar aggregate classification (germline): Likely pathogenic (1 of 4 stars; one submission).

Allele frequency attached by ClinVar (database versions not stated): gnomAD exomes below 0.00001.
gnomAD v4.1: 2 of 1,592,712 alleles (0.00013%); highest among the groups gnomAD compares: African/African-American, 0.0013%; no homozygotes.

Submission:

Mayo Clinic Laboratories, Mayo Clinic
Classification: Likely pathogenic. Last evaluated: 2022-10-04. Review status: criteria provided, single submitter. Criteria: ACMG Guidelines, 2015. Collection method: clinical testing. Allele origin: germline. Observed: 1 variant allele.
Comment: PM2

NM_001002010.5(NT5C3A):c.693+1G>A

Gene: NT5C3A (5'-nucleotidase, cytosolic IIIA; minus strand). Cytogenetic location: 7p14.3.
Variant type: single nucleotide variant.
Coding change: c.693+1G>A on transcript NM_001002010.5 (MANE Select); the canonical splice donor site of the intron after coding-DNA position 693, G replaced by A.
Molecular consequence: splice donor variant.
Genome position (GRCh38, 1-based): chr7:33,017,438, C>T on the plus strand (G>A on the coding strand, the complement: NT5C3A is on the minus strand). VCF-style: chr7-33017438-C-T. GRCh37 (hg19) VCF-style: chr7-33057050-C-T.
Other names: c.594+1G>A (NM_001374335.1); c.693+1G>A (NM_001374338.1); c.492+1G>A (NM_001374339.1); c.591+1G>A (NM_001002009.3, NM_016489.14); c.555+1G>A (NM_001374336.1, NM_001374337.1, NM_001166118.3 and 1 more transcripts).
Identifiers: ClinVar variation 2683351 (VCV002683351.1), dbSNP rs2534678614, ClinGen allele CA367191594.